The following is an entry in ClinVar:

ClinVar aggregate classification (germline): Likely benign (1 of 4 stars; one submission).

Allele frequency attached by ClinVar (database versions not stated): gnomAD exomes below 0.00001.
gnomAD v4.1: 1 of 1,614,134 alleles (0.000062%); highest among the groups gnomAD compares: Non-Finnish European, 0.000085%; no homozygotes.

Submission:

CeGaT Center for Human Genetics Tuebingen
Classification: Likely benign. Last evaluated: 2023-02-01. Review status: criteria provided, single submitter. Criteria: CeGaT Center For Human Genetics Tuebingen Variant Classification Criteria Version 2. Collection method: clinical testing. Allele origin: germline. Affected: yes. Observed: 1 variant allele.
Comment: FAS: PM2:Supporting, BP4, BP7

NM_000043.6(FAS):c.153C>T (p.Gly51=)

Gene: FAS (Fas cell surface death receptor; plus strand). Cytogenetic location: 10q23.31.
Variant type: single nucleotide variant.
Coding change: c.153C>T on transcript NM_000043.6 (MANE Select); coding-DNA position 153, C replaced by T.
Protein change: p.Gly51=; no amino-acid change (glycine 51 retained).
Molecular consequence: synonymous variant. On other transcripts: non-coding transcript variant (7).
Genome position (GRCh38, 1-based): chr10:89,003,151, C>T. VCF-style: chr10-89003151-C-T. GRCh37 (hg19) VCF-style: chr10-90762908-C-T.
Other names: c.153C>T, p.Gly51= (NM_001320619.2, NM_152871.4, NM_152872.4); c.198C>T, p.Gly66= (NM_001410956.1).
Identifiers: ClinVar variation 2640668 (VCV002640668.24), dbSNP rs2495022439, ClinGen allele CA470728159.